The following is an entry in ClinVar:

ClinVar aggregate classification (germline): Pathogenic (1 of 4 stars; one submission).

Conditions:
Creatine transporter deficiency (CCDS1). Also called: CEREBRAL CREATINE DEFICIENCY SYNDROME 1; Mental retardation , X-linked with seizures, short stature and midface hypoplasia; Mental retardation , X-linked, with creatine transport deficiency; X-linked creatine transporter deficiency; X-linked creatine deficiency syndrome; SLC6A8-Related Creatine Transporter Deficiency. Identifiers: Orphanet 52503, MedGen C1845862, MONDO:0010305, OMIM 300352.

Submission:

Labcorp Genetics (formerly Invitae), Labcorp
Classification: Pathogenic for Creatine transporter deficiency. Last evaluated: 2020-05-04. Review status: criteria provided, single submitter. Criteria: Invitae Variant Classification Sherloc (09022015). Collection method: clinical testing. Allele origin: germline.
Comment: This sequence change affects an acceptor splice site in intron 9 of the SLC6A8 gene. It is expected to disrupt RNA splicing and likely results in an absent or disrupted protein product. This variant is not present in population databases (ExAC no frequency). Disruption of this splice site has been observed in individual(s) with creatine transporter deficiency (PMID: 23234264). Algorithms developed to predict the effect of sequence changes on RNA splicing suggest that this variant may disrupt the consensus splice site, but this prediction has not been confirmed by published transcriptional studies. Donor and acceptor splice site variants typically lead to a loss of protein function (PMID: 16199547), and loss-of-function variants in SLC6A8 are known to be pathogenic (PMID: 22281021). For these reasons, this variant has been classified as Pathogenic.

Literature cited by the submitters: PubMed 23234264; PubMed 16199547; PubMed 22281021.

NM_005629.4(SLC6A8):c.1393-12_1395del

Gene: SLC6A8 (solute carrier family 6 member 8; plus strand). Cytogenetic location: Xq28.
Variant type: Deletion.
Coding change: c.1393-12_1395del on transcript NM_005629.4 (MANE Select); 12 bases into the intron before coding-DNA position 1393 through coding-DNA position 1395, 15 bases deleted (TCTGTCCCCCAGGGC).
Molecular consequence: splice acceptor variant.
Genome position (GRCh38, 1-based): chrX:153,694,332-153,694,346, TCTGTCCCCCAGGGC deleted; deleting any 15 consecutive bases within chrX:153,694,328-153,694,346 gives the same sequence; the c. name uses the placement nearest the transcript's 3' end. VCF-style (leftmost placement, unchanged base first): chrX-153694327-TGGGCTCTGTCCCCCA-T. GRCh37 (hg19) VCF-style: chrX-152959782-TGGGCTCTGTCCCCCA-T.
Other names: c.1363-12_1365del (NM_001142805.2); c.1048-12_1050del (NM_001142806.1).
Identifiers: ClinVar variation 1076955 (VCV001076955.7), dbSNP rs2148364124, ClinGen allele CA2499226438.